The following is an entry in ClinVar:

ClinVar aggregate classification (germline): Uncertain significance (1 of 4 stars; one submission).

Conditions:
Developmental and epileptic encephalopathy, 54. Also called: HNRNPU-Related Neurodevelopmental Disorder; Epileptic encephalopathy, early infantile, 54. Identifiers: MedGen C4479319, MONDO:0033363, OMIM 617391.

Submission:

Labcorp Genetics (formerly Invitae), Labcorp
Classification: Uncertain significance for Developmental and epileptic encephalopathy, 54. Last evaluated: 2022-03-03. Review status: criteria provided, single submitter. Criteria: Invitae Variant Classification Sherloc (09022015). Collection method: clinical testing. Allele origin: germline.
Comment: This variant is not present in population databases (gnomAD no frequency). This variant has not been reported in the literature in individuals affected with HNRNPU-related conditions. This sequence change replaces alanine, which is neutral and non-polar, with threonine, which is neutral and polar, at codon 723 of the HNRNPU protein (p.Ala723Thr). This variant also falls at the last nucleotide of exon 11, which is part of the consensus splice site for this exon. Algorithms developed to predict the effect of missense changes on protein structure and function are either unavailable or do not agree on the potential impact of this missense change (SIFT: "Tolerated"; PolyPhen-2: "Not Available"; Align-GVGD: "Class C0"). Variants that disrupt the consensus splice site are a relatively common cause of aberrant splicing (PMID: 17576681, 9536098). Algorithms developed to predict the effect of sequence changes on RNA splicing suggest that this variant may disrupt the consensus splice site. In summary, the available evidence is currently insufficient to determine the role of this variant in disease. Therefore, it has been classified as a Variant of Uncertain Significance.

Literature cited by the submitters: PubMed 17576681; PubMed 9536098.

NM_031844.3(HNRNPU):c.2167G>A (p.Ala723Thr)

Gene: HNRNPU (heterogeneous nuclear ribonucleoprotein U; minus strand). Cytogenetic location: 1q44.
Variant type: single nucleotide variant.
Coding change: c.2167G>A on transcript NM_031844.3 (MANE Select); coding-DNA position 2167, G replaced by A.
Protein change: p.Ala723Thr; replaces alanine 723 with threonine.
Molecular consequence: missense variant.
Genome position (GRCh38, 1-based): chr1:244,855,904, C>T on the plus strand (G>A on the coding strand, the complement: HNRNPU is on the minus strand). VCF-style: chr1-244855904-C-T. GRCh37 (hg19) VCF-style: chr1-245019206-C-T.
Other names: c.2110G>A, p.Ala704Thr (NM_004501.3); short protein forms A723T, A704T.
Identifiers: ClinVar variation 1359253 (VCV001359253.8), dbSNP rs2102985303, ClinGen allele CA345487442.